The following is an entry in ClinVar:

ClinVar aggregate classification (germline): Uncertain significance. Review status: criteria provided, multiple submitters, no conflicts (2 of 4 stars). 3 submissions from 3 submitters: Uncertain significance (3). Last evaluated 2025-03-04.

Conditions:
Macular corneal dystrophy (MCD). Also called: Macular corneal dystrophy Type I; GROENOUW TYPE II CORNEAL DYSTROPHY. Identifiers: Orphanet 98969, MedGen C1636149, MONDO:0009020, OMIM 217800.

Allele frequency attached by ClinVar (database versions not stated): gnomAD exomes 0.00027 and 0.00039; ExAC 0.00037; gnomAD 0.00051 and 0.00054; TOPMed 0.00075; 1000 Genomes Project 0.00120; 1000 Genomes Project 30x 0.00141.
gnomAD v4.1: 525 of 1,613,512 alleles (0.033%); highest among the groups gnomAD compares: Middle Eastern, 0.2%; 1 homozygote.

Submissions (3):

Revvity Omics, Revvity
Classification: Uncertain significance for Macular corneal dystrophy. Last evaluated: 2025-03-04. Review status: criteria provided, single submitter. Criteria: ACMG Guidelines, 2015. Collection method: clinical testing. Allele origin: germline.

Labcorp Genetics (formerly Invitae), Labcorp
Classification: Uncertain significance for Macular corneal dystrophy. Last evaluated: 2024-01-19. Review status: criteria provided, single submitter. Criteria: Invitae Variant Classification Sherloc (09022015). Collection method: clinical testing. Allele origin: germline.
Comment: This sequence change replaces leucine, which is neutral and non-polar, with arginine, which is basic and polar, at codon 348 of the CHST6 protein (p.Leu348Arg). This variant is present in population databases (rs189849720, gnomAD 0.1%). This variant has not been reported in the literature in individuals affected with CHST6-related conditions. ClinVar contains an entry for this variant (Variation ID: 1044629). Advanced modeling of protein sequence and biophysical properties (such as structural, functional, and spatial information, amino acid conservation, physicochemical variation, residue mobility, and thermodynamic stability) performed at Invitae indicates that this missense variant is not expected to disrupt CHST6 protein function with a negative predictive value of 80%. In summary, the available evidence is currently insufficient to determine the role of this variant in disease. Therefore, it has been classified as a Variant of Uncertain Significance.

Breakthrough Genomics
Classification: Uncertain significance. Review status: criteria provided, single submitter. Criteria: ACMG Guidelines, 2015. Collection method: not provided. Allele origin: germline. Inheritance: Autosomal recessive inheritance. Affected: yes.

NM_021615.5(CHST6):c.1043T>G (p.Leu348Arg)

Gene: CHST6 (carbohydrate sulfotransferase 6; minus strand). Cytogenetic location: 16q23.1.
Variant type: single nucleotide variant.
Coding change: c.1043T>G on transcript NM_021615.5 (MANE Select); coding-DNA position 1043, T replaced by G.
Protein change: p.Leu348Arg; replaces leucine 348 with arginine.
Molecular consequence: missense variant.
Genome position (GRCh38, 1-based): chr16:75,478,786, A>C on the plus strand (T>G on the coding strand, the complement: CHST6 is on the minus strand). VCF-style: chr16-75478786-A-C. GRCh37 (hg19) VCF-style: chr16-75512684-A-C.
Other names: short protein forms L348R.
Identifiers: ClinVar variation 1044629 (VCV001044629.10), dbSNP rs189849720, ClinGen allele CA8175318.
Genomic context (GRCh38, chr16:75,478,786, plus strand): 5'-CGCTGCTCGTCCTCAGAGTACACAGGCCGGTAGCCCAGCAGCTGCAGCGCACCAGCGCAC[A>C]GTTCCTGCACGCGGCGGATCTTGGCAAAGGGCAGCGCATGGCGCCAGGCCTGGGAGACGT-3'
Protein context (NP_067628.1, residues 338-358): PFAKIRRVQE[Leu348Arg]CAGALQLLGY